The following is an entry in ClinVar:

NM_000069.3(CACNA1S):c.4538T>C (p.Ile1513Thr)

Gene: CACNA1S (calcium voltage-gated channel subunit alpha1 S; minus strand). Cytogenetic location: 1q32.1.
Variant type: single nucleotide variant.
Coding change: c.4538T>C on transcript NM_000069.3 (MANE Select); coding-DNA position 4538, T replaced by C.
Protein change: p.Ile1513Thr; replaces isoleucine 1513 with threonine.
Molecular consequence: missense variant.
Genome position (GRCh38, 1-based): chr1:201,047,530, A>G on the plus strand (T>C on the coding strand, the complement: CACNA1S is on the minus strand). VCF-style: chr1-201047530-A-G. GRCh37 (hg19) VCF-style: chr1-201016658-A-G.
Other names: short protein forms I1513T.
Identifiers: ClinVar variation 3072546 (VCV003072546.2), dbSNP rs1382662012, ClinGen allele CA344142885.

ClinVar aggregate classification (germline): Uncertain significance. Review status: criteria provided, multiple submitters, no conflicts (2 of 4 stars). 2 submissions from 2 submitters: Uncertain significance (2). Last evaluated 2025-05-25.

Conditions:
Malignant hyperthermia, susceptibility to, 5 (MHS5). Also called: CACNA1S-Related Malignant Hyperthermia Susceptibility. Identifiers: Orphanet 423, MedGen C1866077, MONDO:0011163, OMIM 601887.

gnomAD v4.1: 4 of 1,613,072 alleles (0.00025%); highest among the groups gnomAD compares: Middle Eastern, 0.017%; no homozygotes.

Submissions (2):

Color Diagnostics, LLC DBA Color Health
Classification: Uncertain significance for Malignant hyperthermia, susceptibility to, 5. Last evaluated: 2025-05-25. Review status: criteria provided, single submitter. Criteria: ACMG Guidelines, 2015. Collection method: clinical testing. Allele origin: germline.
Comment: This missense variant replaces isoleucine with threonine at codon 1513 of the CACNA1S protein. Computational prediction suggests that this variant may not impact protein structure and function. To our knowledge, functional studies have not been reported for this variant. This variant has not been reported in individuals affected with CACNA1S-related disorders in the literature. This variant has been identified in 1/251396 chromosomes in the general population by the Genome Aggregation Database (gnomAD). The available evidence is insufficient to determine the role of this variant in disease conclusively. Therefore, this variant is classified as a Variant of Uncertain Significance.

All of Us Research Program, National Institutes of Health
Classification: Uncertain significance for Malignant hyperthermia, susceptibility to, 5. Last evaluated: 2023-08-15. Review status: criteria provided, single submitter. Criteria: ACMG Guidelines, 2015. Collection method: clinical testing. Allele origin: germline. Inheritance: Autosomal dominant inheritance. Observed: 1 variant allele, 1 heterozygote.
Comment: This study involves interpretation of variants in research participants for the purpose of population health screening. Participant phenotype was not available at the time of variant classification. Additional details can be found in publication PMID: 35346344, PMCID: PMC8962531